The following is an entry in ClinVar:

ClinVar aggregate classification (germline): Uncertain significance (1 of 4 stars; one submission).

Allele frequency attached by ClinVar (database versions not stated): gnomAD 0.00001; gnomAD exomes 0.00003; ExAC 0.00005.
gnomAD v4.1: 39 of 1,613,310 alleles (0.0024%); highest among the groups gnomAD compares: South Asian, 0.018%; no homozygotes.

Submission:

Labcorp Genetics (formerly Invitae), Labcorp
Classification: Uncertain significance. Last evaluated: 2021-12-22. Review status: criteria provided, single submitter. Criteria: Invitae Variant Classification Sherloc (09022015). Collection method: clinical testing. Allele origin: germline.
Comment: This sequence change replaces arginine, which is basic and polar, with glutamine, which is neutral and polar, at codon 812 of the OBSL1 protein (p.Arg812Gln). This variant is present in population databases (rs766616389, gnomAD 0.02%). This variant has not been reported in the literature in individuals affected with OBSL1-related conditions. Algorithms developed to predict the effect of missense changes on protein structure and function output the following: SIFT: "Tolerated"; PolyPhen-2: "Benign"; Align-GVGD: "Class C0". The glutamine amino acid residue is found in multiple mammalian species, which suggests that this missense change does not adversely affect protein function. In summary, the available evidence is currently insufficient to determine the role of this variant in disease. Therefore, it has been classified as a Variant of Uncertain Significance.

NM_015311.3(OBSL1):c.2435G>A (p.Arg812Gln)

Gene: OBSL1 (obscurin like cytoskeletal adaptor 1; minus strand). Cytogenetic location: 2q35.
Variant type: single nucleotide variant.
Coding change: c.2435G>A on transcript NM_015311.3 (MANE Select); coding-DNA position 2435, G replaced by A.
Protein change: p.Arg812Gln; replaces arginine 812 with glutamine.
Molecular consequence: missense variant.
Genome position (GRCh38, 1-based): chr2:219,563,600, C>T on the plus strand (G>A on the coding strand, the complement: OBSL1 is on the minus strand). VCF-style: chr2-219563600-C-T. GRCh37 (hg19) VCF-style: chr2-220428322-C-T.
Other names: c.2435G>A, p.Arg812Gln (NM_001173408.2, NM_001173431.2); short protein forms R812Q.
Identifiers: ClinVar variation 2194960 (VCV002194960.1), dbSNP rs766616389, ClinGen allele CA2131215.
Genomic context (GRCh38, chr2:219,563,600, plus strand): 5'-TCCACCTCACAGGCCAGCATGACACACTCGGAAGTTATGGCATGCACGAACACATGTTCT[C>T]GGGGGTCCACGATGTGCACGGGAGGATCTGGGTGGGAAGCAGAGATGGCATTGCACAGAC-3'
Protein context (NP_056126.1, residues 802-822): QDPPVHIVDP[Arg812Gln]EHVFVHAITS